The following is an entry in ClinVar:

ClinVar aggregate classification (germline): Uncertain significance (1 of 4 stars; one submission).

Allele frequency attached by ClinVar (database versions not stated): gnomAD 0.00003; gnomAD exomes 0.00005; TOPMed 0.00006; ExAC 0.00007; ESP Exome Variant Server 0.00008.
gnomAD v4.1: 73 of 1,614,072 alleles (0.0045%); highest among the groups gnomAD compares: Middle Eastern, 0.016%; no homozygotes.

Submission:

Labcorp Genetics (formerly Invitae), Labcorp
Classification: Uncertain significance. Last evaluated: 2022-04-07. Review status: criteria provided, single submitter. Criteria: Invitae Variant Classification Sherloc (09022015). Collection method: clinical testing. Allele origin: germline.
Comment: This sequence change replaces alanine, which is neutral and non-polar, with valine, which is neutral and non-polar, at codon 280 of the ITGA3 protein (p.Ala280Val). This variant is present in population databases (rs141797951, gnomAD 0.01%). This variant has not been reported in the literature in individuals affected with ITGA3-related conditions. Algorithms developed to predict the effect of missense changes on protein structure and function are either unavailable or do not agree on the potential impact of this missense change (SIFT: "Deleterious"; PolyPhen-2: "Probably Damaging"; Align-GVGD: "Class C0"). In summary, the available evidence is currently insufficient to determine the role of this variant in disease. Therefore, it has been classified as a Variant of Uncertain Significance.

NM_002204.4(ITGA3):c.839C>T (p.Ala280Val)

Gene: ITGA3 (integrin subunit alpha 3; plus strand). Cytogenetic location: 17q21.33.
Variant type: single nucleotide variant.
Coding change: c.839C>T on transcript NM_002204.4 (MANE Select); coding-DNA position 839, C replaced by T.
Protein change: p.Ala280Val; replaces alanine 280 with valine.
Molecular consequence: missense variant.
Genome position (GRCh38, 1-based): chr17:50,071,398, C>T. VCF-style: chr17-50071398-C-T. GRCh37 (hg19) VCF-style: chr17-48148762-C-T.
Other names: short protein forms A280V.
Identifiers: ClinVar variation 2170996 (VCV002170996.1), dbSNP rs141797951, ClinGen allele CA8641359.